The following is an entry in ClinVar:

NM_022356.4(P3H1):c.737G>A (p.Cys246Tyr)

Gene: P3H1 (prolyl 3-hydroxylase 1; minus strand). Cytogenetic location: 1p34.2.
Variant type: single nucleotide variant.
Coding change: c.737G>A on transcript NM_022356.4 (MANE Select); coding-DNA position 737, G replaced by A.
Protein change: p.Cys246Tyr; replaces cysteine 246 with tyrosine.
Molecular consequence: missense variant.
Genome position (GRCh38, 1-based): chr1:42,759,272, C>T on the plus strand (G>A on the coding strand, the complement: P3H1 is on the minus strand). VCF-style: chr1-42759272-C-T. GRCh37 (hg19) VCF-style: chr1-43224943-C-T.
Other names: c.737G>A (NM_022356.3); c.737G>A, p.Cys246Tyr (NM_001146289.2, NM_001243246.2); short protein forms C246Y.
Identifiers: ClinVar variation 1039957 (VCV001039957.8), dbSNP rs1199863657, ClinGen allele CA339959868.
Genomic context (GRCh38, chr1:42,759,272, plus strand): 5'-TGGAAGAGGTCAGCGTTGTACTCAAGGTAGTTGTAGCCATCGTAGTCATAGGGCCCTTCG[C>T]AGAGGGCACGGCACTCCTCATAGGCCACAAAGTATTCTTGCAGCGCCGCCTCTAGGTGGG-3'
Protein context (NP_071751.3, residues 236-256): FVAYEECRAL[Cys246Tyr]EGPYDYDGYN

ClinVar aggregate classification (germline): Uncertain significance. Review status: criteria provided, multiple submitters, no conflicts (2 of 4 stars). 2 submissions from 2 submitters: Uncertain significance (2). Last evaluated 2023-08-14.

Conditions:
Osteogenesis imperfecta type 8 (OI8). Identifiers: MedGen C1970458, MONDO:0012581, OMIM 610915.

Allele frequency attached by ClinVar (database versions not stated): gnomAD exomes below 0.00001; TOPMed below 0.00001; gnomAD 0.00001.

Submissions (2):

GeneDx
Classification: Uncertain significance. Last evaluated: 2023-08-14. Review status: criteria provided, single submitter. Criteria: GeneDx Variant Classification Process June 2021. Collection method: clinical testing. Allele origin: germline. Affected: yes.
Comment: Not observed at significant frequency in large population cohorts (gnomAD); In silico analysis supports that this missense variant has a deleterious effect on protein structure/function; Has not been previously published as pathogenic or benign to our knowledge

Labcorp Genetics (formerly Invitae), Labcorp
Classification: Uncertain significance for Osteogenesis imperfecta type 8. Last evaluated: 2020-09-20. Review status: criteria provided, single submitter. Criteria: Invitae Variant Classification Sherloc (09022015). Collection method: clinical testing. Allele origin: germline.
Comment: In summary, the available evidence is currently insufficient to determine the role of this variant in disease. Therefore, it has been classified as a Variant of Uncertain Significance. Algorithms developed to predict the effect of missense changes on protein structure and function (SIFT, PolyPhen-2, Align-GVGD) all suggest that this variant is likely to be disruptive, but these predictions have not been confirmed by published functional studies and their clinical significance is uncertain. This variant has not been reported in the literature in individuals with P3H1-related conditions. This variant is not present in population databases (ExAC no frequency). This sequence change replaces cysteine with tyrosine at codon 246 of the P3H1 protein (p.Cys246Tyr). The cysteine residue is highly conserved and there is a large physicochemical difference between cysteine and tyrosine.